The following is an entry in ClinVar:

ClinVar aggregate classification (germline): Likely benign (1 of 4 stars; one submission).

Allele frequency attached by ClinVar (database versions not stated): gnomAD 0.00001; gnomAD exomes 0.00001; ExAC 0.00002; TOPMed 0.00003.
gnomAD v4.1: 7 of 1,614,184 alleles (0.00043%); highest among the groups gnomAD compares: East Asian, 0.016%; no homozygotes.

Submission:

CeGaT Center for Human Genetics Tuebingen
Classification: Likely benign. Last evaluated: 2022-03-01. Review status: criteria provided, single submitter. Criteria: CeGaT Center For Human Genetics Tuebingen Variant Classification Criteria Version 2. Collection method: clinical testing. Allele origin: germline. Affected: yes. Observed: 1 variant allele.
Comment: EXOC2: BP4, BP7

NM_018303.6(EXOC2):c.2727G>A (p.Leu909=)

Gene: EXOC2 (exocyst complex component 2; minus strand). Cytogenetic location: 6p25.3.
Variant type: single nucleotide variant.
Coding change: c.2727G>A on transcript NM_018303.6 (MANE Select); coding-DNA position 2727, G replaced by A.
Protein change: p.Leu909=; no amino-acid change (leucine 909 retained).
Molecular consequence: synonymous variant. On other transcripts: non-coding transcript variant (1).
Genome position (GRCh38, 1-based): chr6:486,719, C>T on the plus strand (G>A on the coding strand, the complement: EXOC2 is on the minus strand). VCF-style: chr6-486719-C-T. GRCh37 (hg19) VCF-style: chr6-486719-C-T.
Identifiers: ClinVar variation 2656164 (VCV002656164.24), dbSNP rs202152179, ClinGen allele CA3613013.
Genomic context (GRCh38, chr6:486,719, plus strand): 5'-TGTGGCAGATATTTATGTTTTCATCATGGTTGAAGAAGCTGCTTGGAAACAGGTGAGCTG[C>T]AAGTGCATGCTACTCTTGAACTTGTTCAGGAGCTCTTCCAGTAACCTGCAGGACGGAGAC-3'
Protein context (NP_060773.3, residues 899-919): LLNKFKSSMH[Leu909=]QLTCFQAASS